The following is an entry in ClinVar:

ClinVar aggregate classification (germline): Uncertain significance (1 of 4 stars; one submission).

Submission:

CeGaT Center for Human Genetics Tuebingen
Classification: Uncertain significance. Last evaluated: 2026-06-01. Review status: criteria provided, single submitter. Criteria: CeGaT Center For Human Genetics Tuebingen Variant Classification Criteria Version 2. Collection method: clinical testing. Allele origin: germline. Affected: yes. Observed: 1 variant allele.
Comment: MDH2: PM2

NM_005918.4(MDH2):c.527G>A (p.Arg176Lys)

Gene: MDH2 (malate dehydrogenase 2; plus strand). Cytogenetic location: 7q11.23.
Variant type: single nucleotide variant.
Coding change: c.527G>A on transcript NM_005918.4 (MANE Select); coding-DNA position 527, G replaced by A.
Protein change: p.Arg176Lys; replaces arginine 176 with lysine.
Molecular consequence: missense variant. On other transcripts: intron variant (1).
Genome position (GRCh38, 1-based): chr7:76,060,470, G>A. VCF-style: chr7-76060470-G-A. GRCh37 (hg19) VCF-style: chr7-75689788-G-A.
Other names: c.429+2392G>A (NM_001282403.2); c.206G>A, p.Arg69Lys (NM_001282404.2); short protein forms R176K, R69K.
Identifiers: ClinVar variation 4875155 (VCV004875155.2).